The following is an entry in ClinVar:

ClinVar aggregate classification (germline): Uncertain significance (1 of 4 stars; one submission).

Allele frequency attached by ClinVar (database versions not stated): gnomAD exomes below 0.00001.
gnomAD v4.1: 5 of 1,485,000 alleles (0.00034%); highest among the groups gnomAD compares: African/African-American, 0.0015%; no homozygotes.

Submission:

Labcorp Genetics (formerly Invitae), Labcorp
Classification: Uncertain significance. Last evaluated: 2024-01-14. Review status: criteria provided, single submitter. Criteria: Invitae Variant Classification Sherloc (09022015). Collection method: clinical testing. Allele origin: germline.
Comment: This sequence change replaces aspartic acid, which is acidic and polar, with glycine, which is neutral and non-polar, at codon 253 of the ARID1B protein (p.Asp253Gly). This variant is not present in population databases (gnomAD no frequency). This variant has not been reported in the literature in individuals affected with ARID1B-related conditions. Advanced modeling of protein sequence and biophysical properties (such as structural, functional, and spatial information, amino acid conservation, physicochemical variation, residue mobility, and thermodynamic stability) performed at Invitae indicates that this missense variant is not expected to disrupt ARID1B protein function with a negative predictive value of 95%. In summary, the available evidence is currently insufficient to determine the role of this variant in disease. Therefore, it has been classified as a Variant of Uncertain Significance.

NM_001374828.1(ARID1B):c.1007A>G (p.Asp336Gly)

Gene: ARID1B (AT-rich interaction domain 1B; plus strand). Cytogenetic location: 6q25.3.
Variant type: single nucleotide variant.
Coding change: c.1007A>G on transcript NM_001374828.1 (MANE Select); coding-DNA position 1007, A replaced by G.
Protein change: p.Asp336Gly; replaces aspartic acid 336 with glycine.
Molecular consequence: missense variant.
Genome position (GRCh38, 1-based): chr6:156,778,687, A>G. VCF-style: chr6-156778687-A-G. GRCh37 (hg19) VCF-style: chr6-157099821-A-G.
Other names: c.758A>G, p.Asp253Gly (NM_001346813.1, NM_020732.3); c.1007A>G, p.Asp336Gly (NM_001371656.1, NM_001374820.1, NM_017519.3); c.584A>G, p.Asp195Gly (NM_175863.2); short protein forms D195G, D336G, D253G.
Identifiers: ClinVar variation 2863282 (VCV002863282.3), dbSNP rs2114982512, ClinGen allele CA366382770.
Genomic context (GRCh38, chr6:156,778,687, plus strand): 5'-ACTATGGCAGCGCTGCCCCTGCGAGCGGCGGCCCCGGCGGCCGCGCTGGGCCTTGCTTTG[A>G]TCAACATGGCGGACAACAAAGCCCCGGGATGGGGATGATGCACTCCGCCTCCGCCGCCGC-3'
Protein context (NP_001361757.1, residues 326-346): GPGGRAGPCF[Asp336Gly]QHGGQQSPGM